The following is an entry in ClinVar:

ClinVar aggregate classification (germline): Pathogenic (1 of 4 stars; one submission).

Conditions:
Multiple congenital exostosis (EXT). Also called: Hereditary multiple osteochondromas; Multiple exostoses; Hereditary multiple exostoses; Hereditary multiple exostosis; Multiple osteochondromas; MULTIPLE CARTILAGINOUS EXOSTOSES. Identifiers: Orphanet 321, MedGen C0015306, MONDO:0005508, HP:0002762.

Submission:

Labcorp Genetics (formerly Invitae), Labcorp
Classification: Pathogenic for Multiple congenital exostosis. Last evaluated: 2024-01-24. Review status: criteria provided, single submitter. Criteria: Invitae Variant Classification Sherloc (09022015). Collection method: clinical testing. Allele origin: germline.
Comment: This sequence change creates a premature translational stop signal (p.Lys526*) in the EXT1 gene. It is expected to result in an absent or disrupted protein product. Loss-of-function variants in EXT1 are known to be pathogenic (PMID: 10679937, 11391482, 19810120). This variant is not present in population databases (gnomAD no frequency). This premature translational stop signal has been observed in individual(s) with clinical features of hereditary multiple osteochondromatosis (Invitae). ClinVar contains an entry for this variant (Variation ID: 566580). For these reasons, this variant has been classified as Pathogenic.

Literature cited by the submitters: PubMed 10679937; PubMed 11391482; PubMed 19810120.

NM_000127.3(EXT1):c.1576A>T (p.Lys526Ter)

Gene: EXT1 (exostosin glycosyltransferase 1; minus strand). Cytogenetic location: 8q24.11.
Variant type: single nucleotide variant.
Coding change: c.1576A>T on transcript NM_000127.3 (MANE Select); coding-DNA position 1576, A replaced by T.
Protein change: p.Lys526Ter; replaces lysine 526 with a stop codon.
Molecular consequence: nonsense.
Genome position (GRCh38, 1-based): chr8:117,818,491, T>A on the plus strand (A>T on the coding strand, the complement: EXT1 is on the minus strand). VCF-style: chr8-117818491-T-A. GRCh37 (hg19) VCF-style: chr8-118830730-T-A.
Other names: short protein forms K526*.
Identifiers: ClinVar variation 566580 (VCV000566580.6), dbSNP rs1563569983, ClinGen allele CA371883259.